The following is an entry in ClinVar:

NM_000297.4(PKD2):c.73_124dup (p.Ala42fs)

Genes: PKD2 (polycystin 2, transient receptor potential cation channel; plus strand), LOC129992813 (ATAC-STARR-seq lymphoblastoid silent region 15559; plus strand). Cytogenetic location: 4q22.1.
Variant type: Duplication.
Coding change: c.73_124dup on transcript NM_000297.4 (MANE Select); coding-DNA positions 73 to 124, 52 bases duplicated.
Protein change: p.Ala42fs; shifts the reading frame from alanine 42.
Molecular consequence: frameshift variant. On other transcripts: non-coding transcript variant (1).
Genome position (GRCh38, 1-based): chr4:88,007,806-88,007,857, 52 bases duplicated. GRCh37 (hg19): chr4:88,928,958-88,929,009.
Other names: short protein forms A42fs.
Identifiers: ClinVar variation 3728760 (VCV003728760.3).

ClinVar aggregate classification (germline): Pathogenic. Review status: criteria provided, multiple submitters, no conflicts (2 of 4 stars). 2 submissions from 2 submitters: Pathogenic (2). Last evaluated 2025-01-09.

Conditions:
Autosomal dominant polycystic kidney disease. Identifiers: Orphanet 730, MedGen C0085413, MONDO:0004691.
Polycystic kidney disease 2 (PKD2). Also called: POLYCYSTIC KIDNEY DISEASE, ADULT, TYPE II; POLYCYSTIC KIDNEY DISEASE 2 WITH OR WITHOUT POLYCYSTIC LIVER DISEASE; Polycystic Kidney Disease 2, Autosomal Dominant. Identifiers: MedGen C2751306, MONDO:0013131, OMIM 613095.

Submissions (2):

Labcorp Genetics (formerly Invitae), Labcorp
Classification: Pathogenic for Autosomal dominant polycystic kidney disease. Last evaluated: 2025-01-09. Review status: criteria provided, single submitter. Criteria: Invitae Variant Classification Sherloc (09022015). Collection method: clinical testing. Allele origin: germline.
Comment: This sequence change creates a premature translational stop signal (p.Ala42Glyfs*67) in the PKD2 gene. It is expected to result in an absent or disrupted protein product. Loss-of-function variants in PKD2 are known to be pathogenic (PMID: 17582161, 22863349). This variant is not present in population databases (gnomAD no frequency). This variant has not been reported in the literature in individuals affected with PKD2-related conditions. For these reasons, this variant has been classified as Pathogenic.

Department of Pathology and Laboratory Medicine, Sinai Health System
Classification: Pathogenic for Polycystic kidney disease 2. Last evaluated: 2018-11-21. Review status: criteria provided, single submitter. Criteria: ACMG Guidelines, 2015. Collection method: clinical testing. Allele origin: germline. Affected: yes.

Literature cited by the submitters: PubMed 17582161 (cited by Labcorp Genetics (formerly Invitae), Labcorp); PubMed 22863349 (cited by Labcorp Genetics (formerly Invitae), Labcorp); PubMed 12707387 (cited by Department of Pathology and Laboratory Medicine, Sinai Health System); PubMed 26453610 (cited by Department of Pathology and Laboratory Medicine, Sinai Health System).